The following is an entry in ClinVar:

NM_001145026.2(PTPRQ):c.3205del (p.Ala1069fs)

Gene: PTPRQ (protein tyrosine phosphatase receptor type Q; plus strand). Cytogenetic location: 12q21.31.
Variant type: Deletion.
Coding change: c.3205del on transcript NM_001145026.2 (MANE Select); coding-DNA position 3205, one base deleted (G; older notation c.3205delG).
Protein change: p.Ala1069fs; shifts the reading frame from alanine 1069.
Molecular consequence: frameshift variant.
Genome position (GRCh38, 1-based): chr12:80,541,605, G deleted. VCF-style (leftmost placement, unchanged base first): chr12-80541604-TG-T. GRCh37 (hg19) VCF-style: chr12-80935383-TG-T.
Other names: c.3205del (NM_001145026.1); c.3205delG (NM_001145026.1); short protein forms A1069fs.
Identifiers: ClinVar variation 2633574 (VCV002633574.3), dbSNP rs1450763362, ClinGen allele CA481015050.
Genomic context (GRCh38, chr12:80,541,604, plus strand): 5'-ACCTATCATAGTACCTGAAGGGTTTGTTGGAAACCTGACTTACGAATCCATTTCGTCAAC[TG>T]CAATAAATGTAAGCTGGGTCCCACCGGCTCAACCAAACGGTCTAGTCTTCTACTATGTTT-3'

ClinVar aggregate classification (germline): Likely pathogenic. Review status: criteria provided, multiple submitters, no conflicts (2 of 4 stars). 2 submissions from 2 submitters: Likely pathogenic (2). Last evaluated 2026-03-14.

Conditions:
PTPRQ-related disorder. Also called: PTPRQ-related condition.

Allele frequency attached by ClinVar (database versions not stated): gnomAD exomes below 0.00001; gnomAD 0.00001; TOPMed 0.00001.

Submissions (2):

GeneDx
Classification: Likely pathogenic. Last evaluated: 2026-03-14. Review status: criteria provided, single submitter. Criteria: GeneDx Variant Classification Process June 2021. Collection method: clinical testing. Allele origin: germline.
Comment: Frameshift variant predicted to result in protein truncation or nonsense mediated decay in a gene for which loss of function is a known mechanism of disease; Not observed at significant frequency in large population cohorts (gnomAD); Has not been previously published as pathogenic or benign to our knowledge

PreventionGenetics, part of Exact Sciences
Classification: Likely pathogenic for PTPRQ-related condition. Last evaluated: 2026-01-27. Review status: criteria provided, single submitter. Criteria: ACMG Guidelines, 2015. Collection method: clinical testing. Allele origin: germline.
Comment: The PTPRQ c.3205delG variant is predicted to result in a frameshift and premature protein termination (p.Ala1069Glnfs*2). To our knowledge, this variant (located in exon 18 of 42) has not been reported in the literature or in a large population database gnomAD, indicating this variant is rare. Frameshift variants in PTPRQ are expected to be pathogenic. This variant is interpreted as likely pathogenic.